The following is an entry in ClinVar:

ClinVar aggregate classification (germline): Benign (1 of 4 stars; one submission).

Submission:

CeGaT Center for Human Genetics Tuebingen
Classification: Benign. Last evaluated: 2026-06-01. Review status: criteria provided, single submitter. Criteria: CeGaT Center For Human Genetics Tuebingen Variant Classification Criteria Version 2. Collection method: clinical testing. Allele origin: germline. Affected: yes. Observed: 10 variant alleles.
Comment: MMP1: BS1, BS2

NM_002421.4(MMP1):c.573del (p.Ile191fs)

Gene: MMP1 (matrix metallopeptidase 1; minus strand). Cytogenetic location: 11q22.2.
Variant type: Deletion.
Coding change: c.573del on transcript NM_002421.4 (MANE Select); coding-DNA position 573, one base deleted (T; older notation c.573delT).
Protein change: p.Ile191fs; shifts the reading frame from isoleucine 191.
Molecular consequence: frameshift variant.
Genome position (GRCh38, 1-based): chr11:102,796,716, A deleted on the plus strand (T on the coding strand, the reverse complement: MMP1 is on the minus strand); the first of 2 consecutive A bases (chr11:102,796,716-102,796,717); deleting either gives the same sequence. VCF-style (leftmost placement, unchanged base first): chr11-102796715-CA-C. GRCh37 (hg19) VCF-style: chr11-102667446-CA-C.
Other names: c.375del, p.Ile125fs (NM_001145938.2); short protein forms I125fs, I191fs.
Identifiers: ClinVar variation 2642324 (VCV002642324.23), dbSNP rs17879749, ClinGen allele CA6250601.